The following is an entry in ClinVar:

ClinVar aggregate classification (germline): Pathogenic/Likely pathogenic. Review status: criteria provided, multiple submitters, no conflicts (2 of 4 stars). 4 submissions from 4 submitters: Pathogenic (3); Likely pathogenic (1). Last evaluated 2025-10-23.

Conditions:
CFTR-related disorder (CFTR-RD). Also called: CFTR-related condition; CFTR-related disorders. Identifiers: MedGen C5924204, MONDO:7770004.
Cystic fibrosis (CF). Also called: MUCOVISCIDOSIS. Identifiers: Orphanet 586, MedGen C0010674, MONDO:0009061, OMIM 219700. Disease mechanism: loss of function.

Submissions (4):

Natera, Inc.
Classification: Likely pathogenic for CFTR-related disorders. Last evaluated: 2025-10-23. Review status: criteria provided, single submitter. Criteria: Natera Variant Classification Schema (03/2026). Collection method: clinical testing. Allele origin: germline.
Comment: The c.1573delC variant in CFTR is a frameshift variant predicted to shift the reading frame beginning at codon 525 and leads to a stop codon 2 codons downstream. This variant is expected to result in nonsense mediated decay, truncation, or a dysfunctional protein product. This variant is rare in the general population with a frequency below the threshold expected for the associated phenotype(s). Given the available evidence, this variant is classified as Likely Pathogenic.

Women's Health and Genetics/Laboratory Corporation of America, LabCorp
Classification: Pathogenic for Cystic fibrosis. Last evaluated: 2024-06-13. Review status: criteria provided, single submitter. Criteria: LabCorp Variant Classification Summary - May 2015. Collection method: clinical testing. Allele origin: germline.
Comment: Variant summary: CFTR c.1573delC (p.Gln525AsnfsX2) results in a premature termination codon, predicted to cause a truncation of the encoded protein or absence of the protein due to nonsense mediated decay, which are commonly known mechanisms for disease. The variant allele was found at a frequency of 4e-06 in 250956 control chromosomes. To our knowledge, no occurrence of c.1573delC in individuals affected with Cystic Fibrosis and no experimental evidence demonstrating its impact on protein function have been reported. ClinVar contains an entry for this variant (Variation ID: 1073653). Based on the evidence outlined above, the variant was classified as pathogenic.

Ambry Genetics
Classification: Pathogenic for Cystic fibrosis. Last evaluated: 2023-03-14. Review status: criteria provided, single submitter. Criteria: Ambry Variant Classification Scheme 2023. Collection method: clinical testing. Allele origin: germline.
Comment: The c.1573delC pathogenic mutation, located in coding exon 11 of the CFTR gene, results from a deletion of one nucleotide at nucleotide position 1573, causing a translational frameshift with a predicted alternate stop codon (p.Q525Nfs*2). This alteration is expected to result in loss of function by premature protein truncation or nonsense-mediated mRNA decay. As such, this alteration is interpreted as a disease-causing mutation.

Labcorp Genetics (formerly Invitae), Labcorp
Classification: Pathogenic for Cystic fibrosis. Last evaluated: 2020-07-24. Review status: criteria provided, single submitter. Criteria: Invitae Variant Classification Sherloc (09022015). Collection method: clinical testing. Allele origin: germline.
Comment: For these reasons, this variant has been classified as Pathogenic. Loss-of-function variants in CFTR are known to be pathogenic (PMID: 1695717, 7691345, 9725922). This variant has not been reported in the literature in individuals with CFTR-related conditions. This variant is present in population databases (rs774433839, ExAC 0.009%). This sequence change creates a premature translational stop signal (p.Gln525Asnfs*2) in the CFTR gene. It is expected to result in an absent or disrupted protein product.

Literature cited by the submitters: PubMed 1695717 (cited by Labcorp Genetics (formerly Invitae), Labcorp); PubMed 7691345 (cited by Labcorp Genetics (formerly Invitae), Labcorp); PubMed 9725922 (cited by Labcorp Genetics (formerly Invitae), Labcorp).

NM_000492.4(CFTR):c.1573del (p.Gln525fs)

Genes: CFTR (CF transmembrane conductance regulator; plus strand), CFTR-AS1 (CFTR antisense RNA 1; minus strand). Cytogenetic location: 7q31.2.
Variant type: Deletion.
Coding change: c.1573del on transcript NM_000492.4 (MANE Select); coding-DNA position 1573, one base deleted (C; older notation c.1573delC).
Protein change: p.Gln525fs; shifts the reading frame from glutamine 525.
Molecular consequence: frameshift variant.
Genome position (GRCh38, 1-based): chr7:117,559,644, C deleted; the last of 2 consecutive C bases (chr7:117,559,643-117,559,644); deleting either gives the same sequence. VCF-style (leftmost placement, unchanged base first): chr7-117559642-GC-G. GRCh37 (hg19) VCF-style: chr7-117199696-GC-G.
Other names: c.1573delC (NM_000492.4); short protein forms Q525fs.
Identifiers: ClinVar variation 1073653 (VCV001073653.10), dbSNP rs774433839, ClinGen allele CA4451024.